The following is an entry in ClinVar:

ClinVar aggregate classification (germline): Uncertain significance (1 of 4 stars; one submission).

Conditions:
Immunodeficiency 104. Also called: Severe combined immunodeficiency, autosomal recessive, T cell-negative, B cell-positive, NK cell-positive; Severe Combined Immune Deficiency, Autosomal Recessive, TCell -Negative, B Cell-Positive, NK Cell-Positive, IL7R-Related; IMMUNODEFICIENCY 104, SEVERE COMBINED; SCID, AUTOSOMAL RECESSIVE, T CELL-NEGATIVE, B CELL-POSITIVE, NK CELL-POSITIVE. Identifiers: MedGen C5676890, MONDO:0012163, OMIM 608971.

Submission:

Labcorp Genetics (formerly Invitae), Labcorp
Classification: Uncertain significance for Immunodeficiency 104. Last evaluated: 2022-02-22. Review status: criteria provided, single submitter. Criteria: Invitae Variant Classification Sherloc (09022015). Collection method: clinical testing. Allele origin: germline.
Comment: In summary, the available evidence is currently insufficient to determine the role of this variant in disease. Therefore, it has been classified as a Variant of Uncertain Significance. Algorithms developed to predict the effect of missense changes on protein structure and function output the following: SIFT: "Tolerated"; PolyPhen-2: "Benign"; Align-GVGD: "Class C0". The alanine amino acid residue is found in multiple mammalian species, which suggests that this missense change does not adversely affect protein function. This variant has not been reported in the literature in individuals affected with PTPRC-related conditions. This variant is not present in population databases (gnomAD no frequency). This sequence change replaces serine, which is neutral and polar, with alanine, which is neutral and non-polar, at codon 130 of the PTPRC protein (p.Ser130Ala).

NM_002838.5(PTPRC):c.388T>G (p.Ser130Ala)

Gene: PTPRC (protein tyrosine phosphatase receptor type C; plus strand). Cytogenetic location: 1q31.3.
Variant type: single nucleotide variant.
Coding change: c.388T>G on transcript NM_002838.5 (MANE Select); coding-DNA position 388, T replaced by G.
Protein change: p.Ser130Ala; replaces serine 130 with alanine.
Molecular consequence: missense variant. On other transcripts: intron variant (1).
Genome position (GRCh38, 1-based): chr1:198,699,653, T>G. VCF-style: chr1-198699653-T-G. GRCh37 (hg19) VCF-style: chr1-198668782-T-G.
Other names: c.101-3645T>G (NM_080921.4); short protein forms S130A.
Identifiers: ClinVar variation 2102158 (VCV002102158.4), dbSNP rs1284459301, ClinGen allele CA344097294.